The following is an entry in ClinVar:

ClinVar aggregate classification (germline): Conflicting classifications of pathogenicity. Review status: criteria provided, conflicting classifications (1 of 4 stars). 8 submissions from 8 submitters: Uncertain significance (6); Likely benign (2). Last evaluated 2026-02-04.

Conditions:
Arrhythmogenic right ventricular cardiomyopathy (ARVD). Also called: Arrhythmogenic cardiomyopathy; Arrhythmogenic Right Ventricular Cardiomyopathy (ARVC); Arrhythmogenic right ventricular dysplasia; Cardiomyopathy, ARVC. Identifiers: Orphanet 247, MedGen C0349788, MeSH D019571, MONDO:0016587. Disease mechanism: loss of function. Inheritance: Various modes of inheritance.
Arrhythmogenic right ventricular dysplasia 10. Also called: Arrhythmogenic Right Ventricular Dysplasia/Cardiomyopathy10; Arrhythmogenic right ventricular dysplasia/cardiomyopathy, type 10; ARRHYTHMOGENIC RIGHT VENTRICULAR DYSPLASIA, FAMILIAL, 10. Identifiers: MedGen C1857777, MONDO:0012434, OMIM 610193.
Cardiovascular phenotype. Identifiers: MedGen CN230736.
Cardiomyopathy (CMYO). Also called: Cardiomyopathies. Identifiers: Orphanet 167848, MedGen C0878544, MONDO:0004994, HP:0001638. Inheritance: Various modes of inheritance.

Allele frequency attached by ClinVar (database versions not stated): gnomAD exomes below 0.00001 and 0.00001; ExAC 0.00001; gnomAD 0.00002; TOPMed 0.00002.
gnomAD v4.1: 11 of 1,614,038 alleles (0.00068%); highest among the groups gnomAD compares: Admixed American, 0.005%; no homozygotes.

Submissions (8):

GeneDx
Classification: Uncertain significance. Last evaluated: 2026-02-04. Review status: criteria provided, single submitter. Criteria: GeneDx Variant Classification Process June 2021. Collection method: clinical testing. Allele origin: germline. Affected: yes.
Comment: Has not been previously published as pathogenic or benign to our knowledge; Not observed at significant frequency in large population cohorts (gnomAD); In silico analysis supports that this missense variant has a deleterious effect on protein structure/function

Labcorp Genetics (formerly Invitae), Labcorp
Classification: Uncertain significance for Arrhythmogenic right ventricular dysplasia 10. Last evaluated: 2026-01-07. Review status: criteria provided, single submitter. Criteria: Invitae Variant Classification Sherloc (09022015). Collection method: clinical testing. Allele origin: germline.
Comment: This sequence change replaces proline, which is neutral and non-polar, with serine, which is neutral and polar, at codon 857 of the DSG2 protein (p.Pro857Ser). This variant is present in population databases (rs775091459, gnomAD 0.007%). This variant has not been reported in the literature in individuals affected with DSG2-related conditions. ClinVar contains an entry for this variant (Variation ID: 571384). Invitae Evidence Modeling of protein sequence and biophysical properties (such as structural, functional, and spatial information, amino acid conservation, physicochemical variation, residue mobility, and thermodynamic stability) indicates that this missense variant is not expected to disrupt DSG2 protein function with a negative predictive value of 95%. In summary, the available evidence is currently insufficient to determine the role of this variant in disease. Therefore, it has been classified as a Variant of Uncertain Significance.

Ambry Genetics
Classification: Likely benign for Cardiovascular phenotype. Last evaluated: 2025-08-28. Review status: criteria provided, single submitter. Criteria: Ambry Variant Classification Scheme 2023. Collection method: clinical testing. Allele origin: germline.

Color Diagnostics, LLC DBA Color Health
Classification: Uncertain significance for Cardiomyopathy. Last evaluated: 2024-03-06. Review status: criteria provided, single submitter. Criteria: ACMG Guidelines, 2015. Collection method: clinical testing. Allele origin: germline.
Comment: This missense variant replaces proline with serine at codon 857 of the DSG2 protein. Computational prediction suggests that this variant may not impact protein structure and function (internally defined REVEL score threshold <= 0.5, PMID: 27666373). To our knowledge, functional studies have not been reported for this variant. This variant has not been reported in individuals affected with cardiovascular disorders in the literature. This variant has been identified in 2/246544 chromosomes in the general population by the Genome Aggregation Database (gnomAD). The available evidence is insufficient to determine the role of this variant in disease conclusively. Therefore, this variant is classified as a Variant of Uncertain Significance.

Blueprint Genetics
Classification: Likely benign. Last evaluated: 2023-11-27. Review status: criteria provided, single submitter. Criteria: ACMG Guidelines, 2015. Collection method: clinical testing. Allele origin: germline.

All of Us Research Program, National Institutes of Health
Classification: Uncertain significance for Arrhythmogenic right ventricular cardiomyopathy. Last evaluated: 2023-08-15. Review status: criteria provided, single submitter. Criteria: ACMG Guidelines, 2015. Collection method: clinical testing. Allele origin: germline. Inheritance: Autosomal dominant inheritance. Observed: 1 variant allele, 1 heterozygote.
Comment: This missense variant replaces proline with serine at codon 857 of the DSG2 protein. Computational prediction suggests that this variant may not impact protein structure and function (internally defined REVEL score threshold <= 0.5, PMID: 27666373). To our knowledge, functional studies have not been reported for this variant. This variant has not been reported in individuals affected with cardiovascular disorders in the literature. This variant has been identified in 2/246544 chromosomes in the general population by the Genome Aggregation Database (gnomAD). The available evidence is insufficient to determine the role of this variant in disease conclusively. Therefore, this variant is classified as a Variant of Uncertain Significance.

This study involves interpretation of variants in research participants for the purpose of population health screening. Participant phenotype was not available at the time of variant classification. Additional details can be found in publication PMID: 35346344, PMCID: PMC8962531

Mayo Clinic Laboratories, Mayo Clinic
Classification: Uncertain significance. Last evaluated: 2023-05-05. Review status: criteria provided, single submitter. Criteria: ACMG Guidelines, 2015. Collection method: clinical testing. Allele origin: germline. Observed: 1 variant allele.
Comment: BP4

Illumina Laboratory Services, Illumina
Classification: Uncertain significance for Arrhythmogenic right ventricular dysplasia 10. Last evaluated: 2018-01-13. Review status: criteria provided, single submitter. Criteria: ICSL Variant Classification Criteria 13 December 2019. Collection method: clinical testing. Allele origin: germline.

NM_001943.5(DSG2):c.2569C>T (p.Pro857Ser)

Genes: DSG2-AS1 (DSG2 antisense RNA 1; minus strand), DSG2 (desmoglein 2; plus strand). Cytogenetic location: 18q12.1.
Variant type: single nucleotide variant.
Coding change: c.2569C>T on transcript NM_001943.5 (MANE Select); coding-DNA position 2569, C replaced by T.
Protein change: p.Pro857Ser; replaces proline 857 with serine.
Molecular consequence: missense variant.
Genome position (GRCh38, 1-based): chr18:31,545,955, C>T. VCF-style: chr18-31545955-C-T. GRCh37 (hg19) VCF-style: chr18-29125918-C-T.
Other names: p.Pro857Ser; c.2569C>T (LRG_397t1); short protein forms P857S.
Identifiers: ClinVar variation 571384 (VCV000571384.26), dbSNP rs775091459, ClinGen allele CA046489.